The following is an entry in ClinVar:

NM_019032.6(ADAMTSL4):c.1213C>T (p.Gln405Ter)

Genes: ADAMTSL4 (ADAMTS like 4; plus strand), ADAMTSL4-AS2 (ADAMTSL4 antisense RNA 2; minus strand). Cytogenetic location: 1q21.2.
Variant type: single nucleotide variant.
Coding change: c.1213C>T on transcript NM_019032.6 (MANE Select); coding-DNA position 1213, C replaced by T.
Protein change: p.Gln405Ter; replaces glutamine 405 with a stop codon.
Molecular consequence: nonsense.
Genome position (GRCh38, 1-based): chr1:150,554,446, C>T. VCF-style: chr1-150554446-C-T. GRCh37 (hg19) VCF-style: chr1-150526922-C-T.
Other names: c.1213C>T (NM_019032.5); c.1213C>T, p.Gln405Ter (NM_001288607.2, NM_001288608.2, NM_001378596.1 and 1 more transcripts); short protein forms Q405*.
Identifiers: ClinVar variation 3614353 (VCV003614353.3).
Genomic context (GRCh38, chr1:150,554,446, plus strand): 5'-GACCCCCGGGCCCTGCAGTGCGCAGCCTTTAACTCCCAGGAATTCATGGGCCAGCTGTAT[C>T]AGTGGGAGCCCTTCACTGAAGGTGAGGTTTCTTGCTCACCCCTGGGCAGTGGTGGCTTGG-3'

ClinVar aggregate classification (germline): Pathogenic/Likely pathogenic. Review status: criteria provided, multiple submitters, no conflicts (2 of 4 stars). 2 submissions from 2 submitters: Pathogenic (1); Likely pathogenic (1). Last evaluated 2024-12-10.

Submissions (2):

Revvity Omics, Revvity
Classification: Likely pathogenic. Last evaluated: 2024-12-10. Review status: criteria provided, single submitter. Criteria: ACMG Guidelines, 2015. Collection method: clinical testing. Allele origin: germline.

Labcorp Genetics (formerly Invitae), Labcorp
Classification: Pathogenic. Last evaluated: 2024-04-08. Review status: criteria provided, single submitter. Criteria: Invitae Variant Classification Sherloc (09022015). Collection method: clinical testing. Allele origin: germline.
Comment: This sequence change creates a premature translational stop signal (p.Gln405*) in the ADAMTSL4 gene. It is expected to result in an absent or disrupted protein product. Loss-of-function variants in ADAMTSL4 are known to be pathogenic (PMID: 20564469, 28642162). This variant is not present in population databases (gnomAD no frequency). This variant has not been reported in the literature in individuals affected with ADAMTSL4-related conditions. Algorithms developed to predict the effect of sequence changes on RNA splicing suggest that this variant may disrupt the consensus splice site. For these reasons, this variant has been classified as Pathogenic.

Literature cited by the submitters: PubMed 20564469 (cited by Labcorp Genetics (formerly Invitae), Labcorp); PubMed 28642162 (cited by Labcorp Genetics (formerly Invitae), Labcorp).